The following is an entry in ClinVar:

ClinVar aggregate classification (germline): Likely benign (1 of 4 stars; one submission).

gnomAD v4.1: 7 of 1,614,112 alleles (0.00043%); highest among the groups gnomAD compares: East Asian, 0.016%; no homozygotes.

Submission:

CeGaT Center for Human Genetics Tuebingen
Classification: Likely benign. Last evaluated: 2025-11-01. Review status: criteria provided, single submitter. Criteria: CeGaT Center For Human Genetics Tuebingen Variant Classification Criteria Version 2. Collection method: clinical testing. Allele origin: germline. Affected: yes. Observed: 1 variant allele.
Comment: SHANK2: BP4

NM_012309.5(SHANK2):c.4301T>G (p.Leu1434Arg)

Gene: SHANK2 (SH3 and multiple ankyrin repeat domains 2; minus strand). Cytogenetic location: 11q13.3.
Variant type: single nucleotide variant.
Coding change: c.4301T>G on transcript NM_012309.5 (MANE Select); coding-DNA position 4301, T replaced by G.
Protein change: p.Leu1434Arg; replaces leucine 1434 with arginine.
Molecular consequence: missense variant.
Genome position (GRCh38, 1-based): chr11:70,485,992, A>C on the plus strand (T>G on the coding strand, the complement: SHANK2 is on the minus strand). VCF-style: chr11-70485992-A-C. GRCh37 (hg19) VCF-style: chr11-70332097-A-C.
Other names: c.3164T>G, p.Leu1055Arg (NM_001379226.1); c.4421T>G, p.Leu1474Arg (NM_001441024.1); c.4250T>G, p.Leu1417Arg (NM_001441025.1, NM_001441026.1, NM_001441027.1 and 8 more transcripts); c.4223T>G, p.Leu1408Arg (NM_001441035.1, NM_001441036.1, NM_001441037.1); c.4178T>G, p.Leu1393Arg (NM_001441038.1); c.3134T>G, p.Leu1045Arg (NM_001441040.1); c.3086T>G, p.Leu1029Arg (NM_001441041.1); c.2528T>G, p.Leu843Arg (NM_001441042.1); and 6 more; short protein forms L1029R, L1045R, L1055R, L1393R, L1408R, L1417R, L1434R, L1474R.
Identifiers: ClinVar variation 4535187 (VCV004535187.6).
Genomic context (GRCh38, chr11:70,485,992, plus strand): 5'-CTGGAGTTCAACGAAGGGGACTGAGGGGTGTCGCTTTTCTTCTGCTTCACTAAGTCTGAG[A>C]GAGCCGGGACAGAAGCTGCCCGGTCATCGGGGATATCAAAACTATTTGCAAATTCCAGGG-3'
Protein context (NP_036441.2, residues 1424-1444): PDDRAASVPA[Leu1434Arg]SDLVKQKKSD